The following is an entry in ClinVar:

NM_000260.4(MYO7A):c.925A>T (p.Met309Leu)

Gene: MYO7A (myosin VIIA; plus strand). Cytogenetic location: 11q13.5.
Variant type: single nucleotide variant.
Coding change: c.925A>T on transcript NM_000260.4 (MANE Select); coding-DNA position 925, A replaced by T.
Protein change: p.Met309Leu; replaces methionine 309 with leucine.
Molecular consequence: missense variant.
Genome position (GRCh38, 1-based): chr11:77,158,352, A>T. VCF-style: chr11-77158352-A-T. GRCh37 (hg19) VCF-style: chr11-76869398-A-T.
Other names: c.925A>T, p.Met309Leu (NM_001127180.2); c.892A>T, p.Met298Leu (NM_001369365.1); short protein forms M298L, M309L.
Identifiers: ClinVar variation 2749577 (VCV002749577.3), dbSNP rs1481005739, ClinGen allele CA381933038.

ClinVar aggregate classification (germline): Uncertain significance (1 of 4 stars; one submission).

Submission:

Labcorp Genetics (formerly Invitae), Labcorp
Classification: Uncertain significance. Last evaluated: 2023-09-08. Review status: criteria provided, single submitter. Criteria: Invitae Variant Classification Sherloc (09022015). Collection method: clinical testing. Allele origin: germline.
Comment: This sequence change replaces methionine, which is neutral and non-polar, with leucine, which is neutral and non-polar, at codon 309 of the MYO7A protein (p.Met309Leu). In summary, the available evidence is currently insufficient to determine the role of this variant in disease. Therefore, it has been classified as a Variant of Uncertain Significance. Advanced modeling of protein sequence and biophysical properties (such as structural, functional, and spatial information, amino acid conservation, physicochemical variation, residue mobility, and thermodynamic stability) performed at Invitae indicates that this missense variant is not expected to disrupt MYO7A protein function. This variant has not been reported in the literature in individuals affected with MYO7A-related conditions. This variant is not present in population databases (gnomAD no frequency).